The following is an entry in ClinVar:

ClinVar aggregate classification (germline): Uncertain significance (1 of 4 stars; one submission).

Conditions:
Chédiak-Higashi syndrome (CHS). Also called: Chediak-Higashi Syndrome. Identifiers: Orphanet 167, MedGen C0007965, MONDO:0008963, OMIM 214500.

Allele frequency attached by ClinVar (database versions not stated): gnomAD exomes below 0.00001.
gnomAD v4.1: 1 of 1,613,744 alleles (0.000062%); highest among the groups gnomAD compares: Admixed American, 0.0017%; no homozygotes.

Submission:

Labcorp Genetics (formerly Invitae), Labcorp
Classification: Uncertain significance for Chédiak-Higashi syndrome. Last evaluated: 2022-05-12. Review status: criteria provided, single submitter. Criteria: Invitae Variant Classification Sherloc (09022015). Collection method: clinical testing. Allele origin: germline.
Comment: In summary, the available evidence is currently insufficient to determine the role of this variant in disease. Therefore, it has been classified as a Variant of Uncertain Significance. Algorithms developed to predict the effect of missense changes on protein structure and function are either unavailable or do not agree on the potential impact of this missense change (SIFT: "Deleterious"; PolyPhen-2: "Possibly Damaging"; Align-GVGD: "Class C0"). ClinVar contains an entry for this variant (Variation ID: 1039980). This variant has not been reported in the literature in individuals affected with LYST-related conditions. This variant is not present in population databases (gnomAD no frequency). This sequence change replaces proline, which is neutral and non-polar, with histidine, which is basic and polar, at codon 770 of the LYST protein (p.Pro770His).

NM_000081.4(LYST):c.2309C>A (p.Pro770His)

Gene: LYST (lysosomal trafficking regulator; minus strand). Cytogenetic location: 1q42.3.
Variant type: single nucleotide variant.
Coding change: c.2309C>A on transcript NM_000081.4 (MANE Select); coding-DNA position 2309, C replaced by A.
Protein change: p.Pro770His; replaces proline 770 with histidine.
Molecular consequence: missense variant.
Genome position (GRCh38, 1-based): chr1:235,808,509, G>T on the plus strand (C>A on the coding strand, the complement: LYST is on the minus strand). VCF-style: chr1-235808509-G-T. GRCh37 (hg19) VCF-style: chr1-235971809-G-T.
Other names: c.2309C>A, p.Pro770His (NM_001301365.1); short protein forms P770H.
Identifiers: ClinVar variation 1039980 (VCV001039980.6), dbSNP rs2527103127, ClinGen allele CA344958607.